The following is an entry in ClinVar:

ClinVar aggregate classification (germline): Uncertain significance (1 of 4 stars; one submission).

Conditions:
Inborn genetic diseases. Identifiers: MedGen C0950123, MeSH D030342.

Allele frequency attached by ClinVar (database versions not stated): TOPMed below 0.00001; gnomAD 0.00001.
gnomAD v4.1: 12 of 1,613,054 alleles (0.00074%); highest among the groups gnomAD compares: South Asian, 0.0011%; no homozygotes.

Submission:

Ambry Genetics
Classification: Uncertain significance for Inborn genetic diseases. Last evaluated: 2024-02-01. Review status: criteria provided, single submitter. Criteria: Ambry Variant Classification Scheme 2023. Collection method: clinical testing. Allele origin: germline.
Comment: The p.C966Y variant (also known as c.2897G>A), located in coding exon 21 of the MIB1 gene, results from a G to A substitution at nucleotide position 2897. The cysteine at codon 966 is replaced by tyrosine, an amino acid with highly dissimilar properties. This amino acid position is conserved. In addition, this alteration is predicted to be deleterious by in silico analysis. Based on the available evidence, the clinical significance of this alteration remains unclear.

NM_020774.4(MIB1):c.2897G>A (p.Cys966Tyr)

Gene: MIB1 (MIB E3 ubiquitin protein ligase 1; plus strand). Cytogenetic location: 18q11.2.
Variant type: single nucleotide variant.
Coding change: c.2897G>A on transcript NM_020774.4 (MANE Select); coding-DNA position 2897, G replaced by A.
Protein change: p.Cys966Tyr; replaces cysteine 966 with tyrosine.
Molecular consequence: missense variant.
Genome position (GRCh38, 1-based): chr18:21,864,542, G>A. VCF-style: chr18-21864542-G-A. GRCh37 (hg19) VCF-style: chr18-19444503-G-A.
Other names: short protein forms C966Y.
Identifiers: ClinVar variation 3227424 (VCV003227424.1), dbSNP rs1445975939, ClinGen allele CA401797978.
Genomic context (GRCh38, chr18:21,864,542, plus strand): 5'-AATATAAAGTGTCTAATTTATTACTTTGTTATCTCACATTACAGACAATGTGCCCTGTGT[G>A]TCTAGATCGTCTGAAGAATATGATTTTCCTTTGTGGTCACGGAACCTGTCAACTCTGTGG-3'
Protein context (NP_065825.1, residues 956-976): DIKEQTMCPV[Cys966Tyr]LDRLKNMIFL